The following is an entry in ClinVar:

ClinVar aggregate classification (germline): Uncertain significance (1 of 4 stars; one submission).

Conditions:
Familial thoracic aortic aneurysm and aortic dissection (TAAD). Also called: Thoracic aortic aneurysms and dissections. Identifiers: Orphanet 91387, MedGen C4707243, MONDO:0019625.

gnomAD v4.1: 1 of 1,614,062 alleles (0.000062%); highest among the groups gnomAD compares: South Asian, 0.0011%; no homozygotes.

Submission:

Ambry Genetics
Classification: Uncertain significance for Familial thoracic aortic aneurysm and aortic dissection. Last evaluated: 2024-08-01. Review status: criteria provided, single submitter. Criteria: Ambry Variant Classification Scheme 2023. Collection method: clinical testing. Allele origin: germline.
Comment: The p.P715S variant (also known as c.2143C>T), located in coding exon 13 of the MYLK gene, results from a C to T substitution at nucleotide position 2143. The proline at codon 715 is replaced by serine, an amino acid with similar properties. This amino acid position is highly conserved in available vertebrate species. In addition, this alteration is predicted to be tolerated by in silico analysis. Based on the available evidence, the clinical significance of this variant remains unclear.

NM_053025.4(MYLK):c.2143C>T (p.Pro715Ser)

Gene: MYLK (myosin light chain kinase; minus strand). Cytogenetic location: 3q21.1.
Variant type: single nucleotide variant.
Coding change: c.2143C>T on transcript NM_053025.4 (MANE Select); coding-DNA position 2143, C replaced by T.
Protein change: p.Pro715Ser; replaces proline 715 with serine.
Molecular consequence: missense variant.
Genome position (GRCh38, 1-based): chr3:123,708,001, G>A on the plus strand (C>T on the coding strand, the complement: MYLK is on the minus strand). VCF-style: chr3-123708001-G-A. GRCh37 (hg19) VCF-style: chr3-123426848-G-A.
Other names: c.1615C>T, p.Pro539Ser (NM_001321309.2); c.1936C>T, p.Pro646Ser (NM_053026.4, NM_053028.4); c.2143C>T, p.Pro715Ser (NM_053027.4); short protein forms P646S, P715S, P539S.
Identifiers: ClinVar variation 3401076 (VCV003401076.1).
Genomic context (GRCh38, chr3:123,708,001, plus strand): 5'-CCAGGGAGGCTGTCACTGAGCGAGGCTTACTGATGAACCAGGGCTGGGTGCCATCGTGAG[G>A]CTCTGGAAATTGGCAAAGGGCAGAGCTAAACAGGGATGTCCCTCAGCAGGCAGTGTCCAC-3'
Protein context (NP_444253.3, residues 705-725): RTQAVLTVQE[Pro715Ser]HDGTQPWFIS